The following is an entry in ClinVar:

ClinVar aggregate classification (germline): Uncertain significance (1 of 4 stars; one submission).

Allele frequency attached by ClinVar (database versions not stated): ExAC 0.00001; gnomAD 0.00002; TOPMed 0.00003; ESP Exome Variant Server 0.00008.
gnomAD v4.1: 38 of 1,600,280 alleles (0.0024%); highest among the groups gnomAD compares: African/African-American, 0.004%; no homozygotes.

Submission:

Labcorp Genetics (formerly Invitae), Labcorp
Classification: Uncertain significance. Last evaluated: 2026-01-12. Review status: criteria provided, single submitter. Criteria: Invitae Variant Classification Sherloc (09022015). Collection method: clinical testing. Allele origin: germline.
Comment: This sequence change replaces arginine, which is basic and polar, with tryptophan, which is neutral and slightly polar, at codon 1204 of the RERE protein (p.Arg1204Trp). This variant is present in population databases (rs368082065, gnomAD 0.006%). This variant has not been reported in the literature in individuals affected with RERE-related conditions. ClinVar contains an entry for this variant (Variation ID: 2716590). Invitae Evidence Modeling of protein sequence and biophysical properties (such as structural, functional, and spatial information, amino acid conservation, physicochemical variation, residue mobility, and thermodynamic stability) has been performed for this missense variant. However, the output from this modeling did not meet the statistical confidence thresholds required to predict the impact of this variant on RERE protein function. In summary, the available evidence is currently insufficient to determine the role of this variant in disease. Therefore, it has been classified as a Variant of Uncertain Significance.

NM_001042681.2(RERE):c.3610C>T (p.Arg1204Trp)

Gene: RERE (arginine-glutamic acid dipeptide repeats; minus strand). Cytogenetic location: 1p36.23.
Variant type: single nucleotide variant.
Coding change: c.3610C>T on transcript NM_001042681.2 (MANE Select); coding-DNA position 3610, C replaced by T.
Protein change: p.Arg1204Trp; replaces arginine 1204 with tryptophan.
Molecular consequence: missense variant.
Genome position (GRCh38, 1-based): chr1:8,359,772, G>A on the plus strand (C>T on the coding strand, the complement: RERE is on the minus strand). VCF-style: chr1-8359772-G-A. GRCh37 (hg19) VCF-style: chr1-8419832-G-A.
Other names: c.1948C>T, p.Arg650Trp (NM_001042682.2); c.3610C>T, p.Arg1204Trp (NM_012102.4); short protein forms R1204W, R650W.
Identifiers: ClinVar variation 2716590 (VCV002716590.3), dbSNP rs368082065, ClinGen allele CA571077.